The following is an entry in ClinVar:

ClinVar aggregate classification (germline): Likely benign (0 of 4 stars; one submission).

Conditions:
PXDN-related disorder. Also called: PXDN-related condition.

Submission:

PreventionGenetics, part of Exact Sciences
Classification: Likely benign for PXDN-related condition. Last evaluated: 2024-02-19. Review status: no assertion criteria provided. Collection method: clinical testing. Allele origin: germline.
Comment: This variant is classified as likely benign based on ACMG/AMP sequence variant interpretation guidelines (Richards et al. 2015 PMID: 25741868, with internal and published modifications).

NM_012293.3(PXDN):c.81G>T (p.Val27=)

Gene: PXDN (peroxidasin; minus strand). Cytogenetic location: 2p25.3.
Variant type: single nucleotide variant.
Coding change: c.81G>T on transcript NM_012293.3 (MANE Select); coding-DNA position 81, G replaced by T.
Protein change: p.Val27=; no amino-acid change (valine 27 retained).
Molecular consequence: synonymous variant.
Genome position (GRCh38, 1-based): chr2:1,744,375, C>A on the plus strand (G>T on the coding strand, the complement: PXDN is on the minus strand). VCF-style: chr2-1744375-C-A. GRCh37 (hg19) VCF-style: chr2-1748147-C-A.
Identifiers: ClinVar variation 3061372 (VCV003061372.2), dbSNP rs2549847158, ClinGen allele CA424572604.